The following is an entry in ClinVar:

ClinVar aggregate classification (germline): Pathogenic/Likely pathogenic. Review status: criteria provided, multiple submitters, no conflicts (2 of 4 stars). 3 submissions from 3 submitters: Pathogenic (1); Likely pathogenic (2). Last evaluated 2024-12-01.

Conditions:
Generalized epilepsy with febrile seizures plus, type 7 (GEFSP7). Also called: GEFS+, TYPE 7. Identifiers: Orphanet 36387, MedGen C2751778, MONDO:0013470, OMIM 613863.
Neuropathy, hereditary sensory and autonomic, type 2A (HSAN2A). Also called: HSAN IIA; WNK1-Related HSAN2 (HSAN2A); ACROOSTEOLYSIS, GIACCAI TYPE; ACROOSTEOLYSIS, NEUROGENIC; MORVAN DISEASE; NEUROPATHY, CONGENITAL SENSORY. Identifiers: Orphanet 970, MedGen C2752089, MONDO:0024309, OMIM 201300.
Channelopathy-associated congenital insensitivity to pain, autosomal recessive. Also called: Insensitivity to pain, channelopathy-associated; ASYMBOLIA FOR PAIN; CONGENITAL ANALGESIA, AUTOSOMAL RECESSIVE. Identifiers: Orphanet 88642, Orphanet 970, MedGen C1855739, MONDO:0009459, OMIM 243000.

Allele frequency attached by ClinVar (database versions not stated): gnomAD exomes below 0.00001 and 0.00001.
gnomAD v4.1: 14 of 1,599,548 alleles (0.00088%); highest among the groups gnomAD compares: African/African-American, 0.0013%; no homozygotes.

Submissions (3):

GeneDx
Classification: Likely pathogenic. Last evaluated: 2024-12-01. Review status: criteria provided, single submitter. Criteria: GeneDx Variant Classification Process June 2021. Collection method: clinical testing. Allele origin: germline. Affected: yes.
Comment: Reported heterozygous in an individual with childhood onset epilepsy (PMID: 31440721); Nonsense variant predicted to result in protein truncation, as the last 411 amino acids are lost, and other loss-of-function variants have been reported downstream; Not observed at significant frequency in large population cohorts (gnomAD); This variant is associated with the following publications: (PMID: 25253744, 31440721, 30609409)

Labcorp Genetics (formerly Invitae), Labcorp
Classification: Pathogenic for Neuropathy, hereditary sensory and autonomic, type 2A; Generalized epilepsy with febrile seizures plus, type 7. Last evaluated: 2024-10-30. Review status: criteria provided, single submitter. Criteria: Invitae Variant Classification Sherloc (09022015). Collection method: clinical testing. Allele origin: germline.
Comment: This sequence change creates a premature translational stop signal (p.Trp1567*) in the SCN9A gene. While this is not anticipated to result in nonsense mediated decay, it is expected to disrupt the last 411 amino acid(s) of the SCN9A protein. This variant is present in population databases (rs200070962, gnomAD 0.0009%). This variant has not been reported in the literature in individuals affected with SCN9A-related conditions. ClinVar contains an entry for this variant (Variation ID: 504889). Experimental studies and prediction algorithms are not available or were not evaluated, and the functional significance of this variant is currently unknown. Algorithms developed to predict the effect of sequence changes on RNA splicing suggest that this variant may disrupt the consensus splice site. This variant disrupts a region of the SCN9A protein in which other variant(s) (p.Glu1773Glyfs*14) have been determined to be pathogenic (PMID: 25253744; internal data). This suggests that this is a clinically significant region of the protein, and that variants that disrupt it are likely to be disease-causing. For these reasons, this variant has been classified as Pathogenic.

Laboratory for Molecular Medicine, Mass General Brigham Personalized Medicine
Classification: Likely pathogenic for Indifference to pain, congenital, autosomal recessive. Last evaluated: 2018-01-31. Review status: criteria provided, single submitter. Criteria: LMM Criteria. Collection method: clinical testing. Allele origin: germline. Inheritance: Autosomal recessive inheritance. Observed: 1 variant allele.
Comment: The p.Trp1567X variant in SCN9A has not been previously reported in individuals with congenital insensitivity to pain and was absent from large population studi es. This nonsense variant leads to a premature termination codon at position 156 7, which is predicted to lead to a truncated or absent protein. Loss of function of the SCN9A gene is associated with congenital insensitivity to pain. In summa ry, although additional studies are required to fully establish its clinical sig nificance, this variant is likely pathogenic for congenital insensitivity to pai n in an autosomal recessive manner.

Literature cited by the submitters: PubMed 25253744 (cited by Labcorp Genetics (formerly Invitae), Labcorp).

NM_001365536.1(SCN9A):c.4733G>A (p.Trp1578Ter)

Genes: SCN9A (sodium voltage-gated channel alpha subunit 9; minus strand), SCN1A-AS1 (SCN1A and SCN9A antisense RNA 1; plus strand). Cytogenetic location: 2q24.3.
Variant type: single nucleotide variant.
Coding change: c.4733G>A on transcript NM_001365536.1 (MANE Select); coding-DNA position 4733, G replaced by A.
Protein change: p.Trp1578Ter; replaces tryptophan 1578 with a stop codon.
Molecular consequence: nonsense.
Genome position (GRCh38, 1-based): chr2:166,203,996, C>T on the plus strand (G>A on the coding strand, the complement: SCN9A is on the minus strand). VCF-style: chr2-166203996-C-T. GRCh37 (hg19) VCF-style: chr2-167060506-C-T.
Other names: c.4700G>A, p.Trp1567Ter (NM_002977.4); short protein forms W1567*, W1578*.
Identifiers: ClinVar variation 504889 (VCV000504889.15), dbSNP rs200070962, ClinGen allele CA59788871.
Genomic context (GRCh38, chr2:166,203,996, plus strand): 5'-GAAAAATAAATATTCTTACCTACAATGGAGATAATCACAACCACAAAATCAAAAATATTC[C>T]ATCCTACAGTGAAGTAGTAGTGTCTGAGGGAGATCAGTTTTAGCACACATTCTCCAGTGA-3'